The following is an entry in ClinVar:

ClinVar aggregate classification (germline): Uncertain significance. Review status: criteria provided, multiple submitters, no conflicts (2 of 4 stars). 4 submissions from 4 submitters: Uncertain significance (4). Last evaluated 2024-07-18.

Conditions:
Inborn genetic diseases. Identifiers: MedGen C0950123, MeSH D030342.
Senior-Loken syndrome 6 (SLSN6). Identifiers: Orphanet 3156, MedGen C1857779, MONDO:0012433, OMIM 610189.
Joubert syndrome 5 (JBTS5). Identifiers: Orphanet 2318, MedGen C1857780, MONDO:0012432, OMIM 610188.
Leber congenital amaurosis 10 (LCA10). Identifiers: Orphanet 65, MedGen C1857821, MONDO:0012723, OMIM 611755.
Meckel syndrome, type 4 (MKS4). Also called: MECKEL-GRUBER SYNDROME, TYPE 4. Identifiers: Orphanet 564, MedGen C1970161, MONDO:0012626, OMIM 611134.
Bardet-Biedl syndrome 14 (BBS14). Identifiers: Orphanet 110, MedGen C2673874, MONDO:0014442, OMIM 615991.
Nephronophthisis. Also called: Juvenile Nephronophthisis. Identifiers: Orphanet 655, MedGen C0687120, MONDO:0019005, HP:0000090.
Joubert syndrome. Also called: JOUBERT-BOLTSHAUSER SYNDROME; Familial aplasia of the vermis. Identifiers: Orphanet 475, MedGen C5979921, MONDO:0018772.
Meckel-Gruber syndrome. Also called: Dysencephalia splachnocystica; DYSENCEPHALIA SPLANCHNOCYSTICA; GRUBER SYNDROME. Identifiers: Orphanet 564, MedGen C0265215, MONDO:0018921.

Allele frequency attached by ClinVar (database versions not stated): gnomAD exomes below 0.00001 and 0.00001; ExAC 0.00002; TOPMed 0.00002.
gnomAD v4.1: 4 of 1,608,570 alleles (0.00025%); highest among the groups gnomAD compares: East Asian, 0.0022%; no homozygotes.

Submissions (4):

Blueprint Genetics
Classification: Uncertain significance. Last evaluated: 2024-07-18. Review status: criteria provided, single submitter. Criteria: ACMG Guidelines, 2015. Collection method: clinical testing. Allele origin: germline.

Labcorp Genetics (formerly Invitae), Labcorp
Classification: Uncertain significance for Joubert syndrome; Meckel-Gruber syndrome; Nephronophthisis. Last evaluated: 2024-05-20. Review status: criteria provided, single submitter. Criteria: Invitae Variant Classification Sherloc (09022015). Collection method: clinical testing. Allele origin: germline.
Comment: This sequence change replaces alanine, which is neutral and non-polar, with valine, which is neutral and non-polar, at codon 1566 of the CEP290 protein (p.Ala1566Val). This variant is present in population databases (rs751408783, gnomAD 0.02%). This variant has not been reported in the literature in individuals affected with CEP290-related conditions. ClinVar contains an entry for this variant (Variation ID: 1416635). Advanced modeling of protein sequence and biophysical properties (such as structural, functional, and spatial information, amino acid conservation, physicochemical variation, residue mobility, and thermodynamic stability) has been performed at Invitae for this missense variant, however the output from this modeling did not meet the statistical confidence thresholds required to predict the impact of this variant on CEP290 protein function. In summary, the available evidence is currently insufficient to determine the role of this variant in disease. Therefore, it has been classified as a Variant of Uncertain Significance.

Ambry Genetics
Classification: Uncertain significance for Inborn genetic diseases. Last evaluated: 2023-03-29. Review status: criteria provided, single submitter. Criteria: Ambry Variant Classification Scheme 2023. Collection method: clinical testing. Allele origin: germline.

Fulgent Genetics
Classification: Uncertain significance for Joubert syndrome 5; Senior-Loken syndrome 6; Meckel syndrome, type 4; Leber congenital amaurosis 10; Bardet-Biedl syndrome 14. Last evaluated: 2022-05-26. Review status: criteria provided, single submitter. Criteria: ACMG Guidelines, 2015. Collection method: clinical testing. Allele origin: unknown.

NM_025114.4(CEP290):c.4697C>T (p.Ala1566Val)

Gene: CEP290 (centrosomal protein 290; minus strand). Cytogenetic location: 12q21.32.
Variant type: single nucleotide variant.
Coding change: c.4697C>T on transcript NM_025114.4 (MANE Select); coding-DNA position 4697, C replaced by T.
Protein change: p.Ala1566Val; replaces alanine 1566 with valine.
Molecular consequence: missense variant.
Genome position (GRCh38, 1-based): chr12:88,084,593, G>A on the plus strand (C>T on the coding strand, the complement: CEP290 is on the minus strand). VCF-style: chr12-88084593-G-A. GRCh37 (hg19) VCF-style: chr12-88478370-G-A.
Other names: c.4697C>T (NM_025114.3); short protein forms A1566V.
Identifiers: ClinVar variation 1416635 (VCV001416635.11), dbSNP rs751408783, ClinGen allele CA6711888.